The following is an entry in ClinVar:

NM_007194.4(CHEK2):c.792del (p.Asp265fs)

Gene: CHEK2 (checkpoint kinase 2; minus strand). Cytogenetic location: 22q12.1.
Variant type: Deletion.
Coding change: c.792del on transcript NM_007194.4 (MANE Select); coding-DNA position 792, one base deleted (A; older notation c.792delA).
Protein change: p.Asp265fs; shifts the reading frame from aspartic acid 265.
Molecular consequence: frameshift variant.
Genome position (GRCh38, 1-based): chr22:28,711,909, T deleted on the plus strand (A on the coding strand, the reverse complement: CHEK2 is on the minus strand). VCF-style (leftmost placement, unchanged base first): chr22-28711908-CT-C. GRCh37 (hg19) VCF-style: chr22-29107896-CT-C.
Other names: c.921delA, p.Asp308Thrfs (NM_001005735.3); c.129delA, p.Asp44Thrfs (NM_001257387.3); c.591delA, p.Asp198Thrfs (NM_001349956.3); c.792delA, p.Asp265Thrfs (NM_145862.3); short protein forms D308fs, D44fs, D198fs, D265fs.
Identifiers: ClinVar variation 2566538 (VCV002566538.2), dbSNP rs2517959352, ClinGen allele CA2580615494.

ClinVar aggregate classification (germline): Pathogenic (1 of 4 stars; one submission).

Conditions:
Hereditary cancer-predisposing syndrome. Also called: Neoplastic Syndromes, Hereditary; Hereditary Cancer Syndrome; Hereditary neoplastic syndrome; Tumor predisposition. Identifiers: Orphanet 140162, MedGen C0027672, MeSH D009386, MONDO:0015356.

Submission:

Ambry Genetics
Classification: Pathogenic for Hereditary cancer-predisposing syndrome. Last evaluated: 2023-05-02. Review status: criteria provided, single submitter. Criteria: Ambry Variant Classification Scheme 2023. Collection method: clinical testing. Allele origin: germline.
Comment: The c.792delA variant, located in coding exon 5 of the CHEK2 gene, results from a deletion of one nucleotide at nucleotide position 792, causing a translational frameshift with a predicted alternate stop codon (p.D265Tfs*10). This alteration is expected to result in loss of function by premature protein truncation or nonsense-mediated mRNA decay. In silico splice site analysis predicts that this alteration will weaken the native splice donor site and will result in the creation or strengthening of a novel splice donor site. Alternative splicing is also expected to result in a loss of function by nonsense-mediated mRNA decay. As such, this alteration is interpreted as a disease-causing mutation.